The following is an entry in ClinVar:

NM_001253697.2(ERBIN):c.4196A>G (p.Gln1399Arg)

Gene: ERBIN (erbb2 interacting protein; plus strand). Cytogenetic location: 5q12.3.
Variant type: single nucleotide variant.
Coding change: c.4196A>G on transcript NM_001253697.2 (MANE Select); coding-DNA position 4196, A replaced by G.
Protein change: p.Gln1399Arg; replaces glutamine 1399 with arginine.
Molecular consequence: missense variant.
Genome position (GRCh38, 1-based): chr5:66,078,487, A>G. VCF-style: chr5-66078487-A-G. GRCh37 (hg19) VCF-style: chr5-65374315-A-G.
Other names: c.3866A>G, p.Gln1289Arg (NM_001006600.3); c.3998A>G, p.Gln1333Arg (NM_001253698.2); c.4217A>G, p.Gln1406Arg (NM_001253699.2); c.4061A>G, p.Gln1354Arg (NM_001253701.2); c.4073A>G, p.Gln1358Arg (NM_018695.4); short protein forms Q1289R, Q1358R, Q1399R, Q1333R, Q1354R, Q1406R.
Identifiers: ClinVar variation 1395251 (VCV001395251.6), dbSNP rs2151316388, ClinGen allele CA359871884.

ClinVar aggregate classification (germline): Uncertain significance (1 of 4 stars; one submission).

Submission:

Labcorp Genetics (formerly Invitae), Labcorp
Classification: Uncertain significance. Last evaluated: 2021-11-27. Review status: criteria provided, single submitter. Criteria: Invitae Variant Classification Sherloc (09022015). Collection method: clinical testing. Allele origin: germline.
Comment: In summary, the available evidence is currently insufficient to determine the role of this variant in disease. Therefore, it has been classified as a Variant of Uncertain Significance. Algorithms developed to predict the effect of missense changes on protein structure and function are either unavailable or do not agree on the potential impact of this missense change (SIFT: "Tolerated"; PolyPhen-2: "Possibly Damaging"; Align-GVGD: "Class C0"). This sequence change replaces glutamine, which is neutral and polar, with arginine, which is basic and polar, at codon 1399 of the ERBIN protein (p.Gln1399Arg). This variant is not present in population databases (gnomAD no frequency). This variant has not been reported in the literature in individuals affected with ERBIN-related conditions.